The following is an entry in ClinVar:

ClinVar aggregate classification (germline): Uncertain significance (1 of 4 stars; one submission).

Conditions:
MOGS-congenital disorder of glycosylation. Also called: CDG IIb; CDG 2B; GLUCOSIDASE I DEFICIENCY; MOGS-CDG. Identifiers: Orphanet 79330, MedGen C1853736, MONDO:0011629, OMIM 606056.

Allele frequency attached by ClinVar (database versions not stated): gnomAD exomes 0.00001.

Submission:

Labcorp Genetics (formerly Invitae), Labcorp
Classification: Uncertain significance for MOGS-congenital disorder of glycosylation. Last evaluated: 2022-10-25. Review status: criteria provided, single submitter. Criteria: Invitae Variant Classification Sherloc (09022015). Collection method: clinical testing. Allele origin: germline.
Comment: This sequence change replaces glycine, which is neutral and non-polar, with glutamic acid, which is acidic and polar, at codon 97 of the MOGS protein (p.Gly97Glu). This variant is not present in population databases (gnomAD no frequency). In summary, the available evidence is currently insufficient to determine the role of this variant in disease. Therefore, it has been classified as a Variant of Uncertain Significance. Advanced modeling of protein sequence and biophysical properties (such as structural, functional, and spatial information, amino acid conservation, physicochemical variation, residue mobility, and thermodynamic stability) performed at Invitae indicates that this missense variant is expected to disrupt MOGS protein function. ClinVar contains an entry for this variant (Variation ID: 646295). This variant has not been reported in the literature in individuals affected with MOGS-related conditions.

NM_006302.3(MOGS):c.290G>A (p.Gly97Glu)

Genes: MOGS (mannosyl-oligosaccharide glucosidase; minus strand), LOC129934128 (ATAC-STARR-seq lymphoblastoid silent region 11664; plus strand). Cytogenetic location: 2p13.1.
Variant type: single nucleotide variant.
Coding change: c.290G>A on transcript NM_006302.3 (MANE Select); coding-DNA position 290, G replaced by A.
Protein change: p.Gly97Glu; replaces glycine 97 with glutamic acid.
Molecular consequence: missense variant. On other transcripts: 5 prime UTR variant (1).
Genome position (GRCh38, 1-based): chr2:74,464,958, C>T on the plus strand (G>A on the coding strand, the complement: MOGS is on the minus strand). VCF-style: chr2-74464958-C-T. GRCh37 (hg19) VCF-style: chr2-74692085-C-T.
Other names: c.290G>A, p.Gly97Glu (LRG_1226t1); c.-29G>A (NM_001146158.2); short protein forms G97E.
Identifiers: ClinVar variation 646295 (VCV000646295.9), dbSNP rs1572922297, ClinGen allele CA347382636.
Genomic context (GRCh38, chr2:74,464,958, plus strand): 5'-GTGAGGAGGGGCTTCGGGCTGCGGGTCTTCATGCCGAAGTAGACGTGAGGGCGGTAGGTT[C>T]CCCAGAAGAGGTCCGGGGCCACGGCGGGGCTGGAGGAGTCGGCAGGCAACACAGGAGGCG-3'
Protein context (NP_006293.2, residues 87-107): SPAVAPDLFW[Gly97Glu]TYRPHVYFGM